The following is an entry in ClinVar:

ClinVar aggregate classification (germline): Uncertain significance. Review status: criteria provided, multiple submitters, no conflicts (2 of 4 stars). 2 submissions from 2 submitters: Uncertain significance (2). Last evaluated 2025-08-01.

Conditions:
Hypercholesterolemia, autosomal dominant, type B (FHCL2). Also called: Familial Hypercholesterolemia Type B; APOLIPOPROTEIN B-100, FAMILIAL DEFECTIVE; APOLIPOPROTEIN B-100, FAMILIAL LIGAND-DEFECTIVE; Hyperlipoproteinemia Type IIb; Familial hypercholesterolemia 2; APOB-Related Familial Hypercholesterolemia, Autosomal Dominant. Identifiers: MedGen C1704417, MONDO:0007751, OMIM 144010.
Familial hypobetalipoproteinemia 1. Also called: APOB-Related Familial Hypobetalipoproteinemia; Hypobetalipoproteinemia, normotriglyceridemic; Acanthocytosis with hypobetalipoproteinemia. Identifiers: MedGen C4551990, MONDO:0014252, OMIM 615558.

Allele frequency attached by ClinVar (database versions not stated): gnomAD exomes below 0.00001; ExAC 0.00001; gnomAD 0.00001; TOPMed 0.00001.
gnomAD v4.1: 4 of 1,614,008 alleles (0.00025%); highest among the groups gnomAD compares: Middle Eastern, 0.016%; no homozygotes.

Submissions (2):

CeGaT Center for Human Genetics Tuebingen
Classification: Uncertain significance. Last evaluated: 2025-08-01. Review status: criteria provided, single submitter. Criteria: CeGaT Center For Human Genetics Tuebingen Variant Classification Criteria Version 2. Collection method: clinical testing. Allele origin: germline. Affected: yes. Observed: 1 variant allele.

Labcorp Genetics (formerly Invitae), Labcorp
Classification: Uncertain significance for Familial hypobetalipoproteinemia 1; Hypercholesterolemia, autosomal dominant, type B. Last evaluated: 2022-10-14. Review status: criteria provided, single submitter. Criteria: Invitae Variant Classification Sherloc (09022015). Collection method: clinical testing. Allele origin: germline.
Comment: This sequence change replaces glutamic acid, which is acidic and polar, with aspartic acid, which is acidic and polar, at codon 3120 of the APOB protein (p.Glu3120Asp). This variant is not present in population databases (gnomAD no frequency). This variant has not been reported in the literature in individuals affected with APOB-related conditions. Advanced modeling of protein sequence and biophysical properties (such as structural, functional, and spatial information, amino acid conservation, physicochemical variation, residue mobility, and thermodynamic stability) performed at Invitae indicates that this missense variant is not expected to disrupt APOB protein function. In summary, the available evidence is currently insufficient to determine the role of this variant in disease. Therefore, it has been classified as a Variant of Uncertain Significance.

NM_000384.3(APOB):c.9360A>C (p.Glu3120Asp)

Gene: APOB (apolipoprotein B; minus strand). Cytogenetic location: 2p24.1.
Variant type: single nucleotide variant.
Coding change: c.9360A>C on transcript NM_000384.3 (MANE Select); coding-DNA position 9360, A replaced by C.
Protein change: p.Glu3120Asp; replaces glutamic acid 3120 with aspartic acid.
Molecular consequence: missense variant.
Genome position (GRCh38, 1-based): chr2:21,007,508, T>G on the plus strand (A>C on the coding strand, the complement: APOB is on the minus strand). VCF-style: chr2-21007508-T-G. GRCh37 (hg19) VCF-style: chr2-21230380-T-G.
Other names: short protein forms E3120D.
Identifiers: ClinVar variation 2077931 (VCV002077931.9), dbSNP rs759318264, ClinGen allele CA066472.